The following is an entry in ClinVar:

GRCh38/hg38 Xp22.11(chrX:22192531-22644386)x2

Genes: CBLL2 (Cbl proto-oncogene like 2; plus strand), PHEX (phosphate regulating endopeptidase X-linked; plus strand), PTCHD1-AS (PTCHD1 and PHEX antisense RNA; minus strand), LOC126863223 (CDK7 strongly-dependent group 2 enhancer GRCh37_chrX:22383141-22384340; plus strand), LOC126863224 (CDK7 strongly-dependent group 2 enhancer GRCh37_chrX:22417737-22418936; plus strand) and 3 more. Cytogenetic location: Xp22.11.
Variant type: copy number gain.
Change: copy number 2 of chrX:22,192,531-22,644,386 (451.9 kb, GRCh38 coordinates, 1-based), cytogenetic band Xp22.11.
Identifiers: ClinVar variation 5038316 (VCV005038316.1).

ClinVar aggregate classification (germline): Uncertain significance (1 of 4 stars; one submission).

Submission:

Clinical Genomics Laboratory, Laboratory for Precision Diagnostics, University of Washington
Classification: Uncertain significance. Last evaluated: 2025-11-10. Review status: criteria provided, single submitter. Criteria: ACMG/ClinGen CNV Guidelines, 2019. Collection method: clinical testing. Allele origin: unknown. Affected: yes. Observed: 1 variant allele.